The following is an entry in ClinVar:

NM_002667.5(PLN):c.-97-6T>A

Genes: CEP85L (centrosomal protein 85L; minus strand), PLN (phospholamban; plus strand). Cytogenetic location: 6q22.31.
Variant type: single nucleotide variant.
Coding change: c.-97-6T>A on transcript NM_002667.5 (MANE Select); 6 bases into the intron before 97 bases upstream of the start codon, T replaced by A.
Molecular consequence: intron variant.
Genome position (GRCh38, 1-based): chr6:118,558,819, T>A. VCF-style: chr6-118558819-T-A. GRCh37 (hg19) VCF-style: chr6-118879982-T-A.
Other names: c.1029+6710A>T (NM_001178035.2); c.1020+6710A>T (NM_001042475.3, NM_206921.3).
Identifiers: ClinVar variation 4796657 (VCV004796657.1).

ClinVar aggregate classification (germline): Uncertain significance (1 of 4 stars; one submission).

Submission:

GeneDx
Classification: Uncertain significance. Last evaluated: 2025-08-19. Review status: criteria provided, single submitter. Criteria: GeneDx Variant Classification Process June 2021. Collection method: clinical testing. Allele origin: germline. Affected: yes.
Comment: Has not been previously published as pathogenic or benign to our knowledge; In silico analysis suggests that this variant does not alter splicing